The following is an entry in ClinVar:

ClinVar aggregate classification (germline): Benign/Likely benign. Review status: criteria provided, multiple submitters, no conflicts (2 of 4 stars). 2 submissions from 2 submitters: Benign (1); Likely benign (1). Last evaluated 2026-02-01.

Allele frequency attached by ClinVar (database versions not stated): TOPMed 0.00448; ESP Exome Variant Server 0.00492; 1000 Genomes Project 0.00499; 1000 Genomes Project 30x 0.00515; gnomAD 0.00918 and 0.00960.
gnomAD v4.1: 13,227 of 1,613,094 alleles (0.82%); highest among the groups gnomAD compares: Non-Finnish European, 0.69%; 152 homozygotes.

Submissions (2):

CeGaT Center for Human Genetics Tuebingen
Classification: Likely benign. Last evaluated: 2026-02-01. Review status: criteria provided, single submitter. Criteria: CeGaT Center For Human Genetics Tuebingen Variant Classification Criteria Version 2. Collection method: clinical testing. Allele origin: germline. Affected: yes. Observed: 1 variant allele.
Comment: ANO7: BS2

Labcorp Genetics (formerly Invitae), Labcorp
Classification: Benign. Last evaluated: 2019-12-31. Review status: criteria provided, single submitter. Criteria: Invitae Variant Classification Sherloc (09022015). Collection method: clinical testing. Allele origin: germline.

NM_001370694.2(ANO7):c.514G>A (p.Glu172Lys)

Gene: ANO7 (anoctamin 7; plus strand). Cytogenetic location: 2q37.3.
Variant type: single nucleotide variant.
Coding change: c.514G>A on transcript NM_001370694.2 (MANE Select); coding-DNA position 514, G replaced by A.
Protein change: p.Glu172Lys; replaces glutamic acid 172 with lysine.
Molecular consequence: missense variant.
Genome position (GRCh38, 1-based): chr2:241,200,185, G>A. VCF-style: chr2-241200185-G-A. GRCh37 (hg19) VCF-style: chr2-242139600-G-A.
Other names: c.676G>A (NM_001001891.3); short protein forms E172K.
Identifiers: ClinVar variation 780027 (VCV000780027.8), dbSNP rs77482050, ClinGen allele CA2214710.